The following is an entry in ClinVar:

NM_001195263.2(PDZD7):c.206T>C (p.Leu69Pro)

Gene: PDZD7 (PDZ domain containing 7; minus strand). Cytogenetic location: 10q24.31.
Variant type: single nucleotide variant.
Coding change: c.206T>C on transcript NM_001195263.2 (MANE Select); coding-DNA position 206, T replaced by C.
Protein change: p.Leu69Pro; replaces leucine 69 with proline.
Molecular consequence: missense variant.
Genome position (GRCh38, 1-based): chr10:101,030,014, A>G on the plus strand (T>C on the coding strand, the complement: PDZD7 is on the minus strand). VCF-style: chr10-101030014-A-G. GRCh37 (hg19) VCF-style: chr10-102789771-A-G.
Other names: c.206T>C, p.Leu69Pro (NM_001351044.2, NM_024895.5); short protein forms L69P.
Identifiers: ClinVar variation 841935 (VCV000841935.13), dbSNP rs765515973, ClinGen allele CA5654489.
Genomic context (GRCh38, chr10:101,030,014, plus strand): 5'-CCCTCCCCAACCCAGGCCAGTGGCTGGGTCCCGCCCCTACCTTCGATGGGGGAGTTGATG[A>G]GGATGACGCGTCCCATGGGCGATGAGGCTCGGATTCCGCGGGGGGGCCCGTTCAGCAGCC-3'
Protein context (NP_001182192.1, residues 59-79): RASSPMGRVI[Leu69Pro]INSPIEANSD

ClinVar aggregate classification (germline): Uncertain significance. Review status: criteria provided, multiple submitters, no conflicts (2 of 4 stars). 4 submissions from 4 submitters: Uncertain significance (4). Last evaluated 2026-01-20.

Conditions:
PDZD7-related disorder. Also called: PDZD7-related condition; PDZD7-related disorders.

Allele frequency attached by ClinVar (database versions not stated): gnomAD 0.00003 and 0.00004; ExAC 0.00004; gnomAD exomes 0.00005 and 0.00015; TOPMed 0.00006.
gnomAD v4.1: 193 of 1,408,568 alleles (0.014%); highest among the groups gnomAD compares: Non-Finnish European, 0.018%; no homozygotes.

Submissions (4):

PreventionGenetics, part of Exact Sciences
Classification: Uncertain significance for PDZD7-related condition. Last evaluated: 2026-01-20. Review status: criteria provided, single submitter. Criteria: ACMG Guidelines, 2015. Collection method: clinical testing. Allele origin: germline.
Comment: The PDZD7 c.206T>C variant is predicted to result in the amino acid substitution p.Leu69Pro. This variant was reported in the absence of a second variant in an individual with non-syndromic hearing loss (Table 3, Ramzan et al. 2023. PubMed ID: 37217689). This variant is reported in 0.0093% of alleles in individuals of European (Non-Finnish) descent in gnomAD. At this time, the clinical significance of this variant is uncertain due to the absence of conclusive functional and genetic evidence.

Labcorp Genetics (formerly Invitae), Labcorp
Classification: Uncertain significance. Last evaluated: 2026-01-05. Review status: criteria provided, single submitter. Criteria: Invitae Variant Classification Sherloc (09022015). Collection method: clinical testing. Allele origin: germline.
Comment: This sequence change replaces leucine, which is neutral and non-polar, with proline, which is neutral and non-polar, at codon 69 of the PDZD7 protein (p.Leu69Pro). This variant is present in population databases (rs765515973, gnomAD 0.01%). This missense change has been observed in individual(s) with deafness (PMID: 37217689). ClinVar contains an entry for this variant (Variation ID: 841935). Invitae Evidence Modeling of protein sequence and biophysical properties (such as structural, functional, and spatial information, amino acid conservation, physicochemical variation, residue mobility, and thermodynamic stability) indicates that this missense variant is not expected to disrupt PDZD7 protein function with a negative predictive value of 80%. In summary, the available evidence is currently insufficient to determine the role of this variant in disease. Therefore, it has been classified as a Variant of Uncertain Significance.

GeneDx
Classification: Uncertain significance. Last evaluated: 2025-03-18. Review status: criteria provided, single submitter. Criteria: GeneDx Variant Classification Process June 2021. Collection method: clinical testing. Allele origin: germline. Affected: yes.
Comment: In silico analysis supports that this missense variant has a deleterious effect on protein structure/function; This variant is associated with the following publications: (PMID: 37217689)

Blueprint Genetics
Classification: Uncertain significance. Last evaluated: 2024-01-15. Review status: criteria provided, single submitter. Criteria: ACMG Guidelines, 2015. Collection method: clinical testing. Allele origin: germline.

Literature cited by the submitters: PubMed 37217689 (cited by Labcorp Genetics (formerly Invitae), Labcorp).